The following is an entry in ClinVar:

ClinVar aggregate classification (germline): Uncertain significance (1 of 4 stars; one submission).

gnomAD v4.1: 1 of 1,613,404 alleles (0.000062%); highest among the groups gnomAD compares: African/African-American, 0.0013%; no homozygotes.

Submission:

GeneDx
Classification: Uncertain significance. Last evaluated: 2025-01-06. Review status: criteria provided, single submitter. Criteria: GeneDx Variant Classification Process June 2021. Collection method: clinical testing. Allele origin: germline. Affected: yes.
Comment: Not observed at significant frequency in large population cohorts (gnomAD); In silico analysis indicates that this missense variant does not alter protein structure/function; Has not been previously published as pathogenic or benign to our knowledge

NM_020987.5(ANK3):c.11467C>T (p.Pro3823Ser)

Gene: ANK3 (ankyrin 3; minus strand). Cytogenetic location: 10q21.2.
Variant type: single nucleotide variant.
Coding change: c.11467C>T on transcript NM_020987.5 (MANE Select); coding-DNA position 11467, C replaced by T.
Protein change: p.Pro3823Ser; replaces proline 3823 with serine.
Molecular consequence: missense variant. On other transcripts: intron variant (4).
Genome position (GRCh38, 1-based): chr10:60,069,414, G>A on the plus strand (C>T on the coding strand, the complement: ANK3 is on the minus strand). VCF-style: chr10-60069414-G-A. GRCh37 (hg19) VCF-style: chr10-61829172-G-A.
Other names: c.4388-1405C>T (NM_001204403.2); c.4409-1405C>T (NM_001204404.2); c.4406-1405C>T (NM_001320874.2); c.1808-1405C>T (NM_001149.4); short protein forms P3823S.
Identifiers: ClinVar variation 4055926 (VCV004055926.1).